The following is an entry in ClinVar:

NM_015311.3(OBSL1):c.1102C>T (p.Arg368Cys)

Gene: OBSL1 (obscurin like cytoskeletal adaptor 1; minus strand). Cytogenetic location: 2q35.
Variant type: single nucleotide variant.
Coding change: c.1102C>T on transcript NM_015311.3 (MANE Select); coding-DNA position 1102, C replaced by T.
Protein change: p.Arg368Cys; replaces arginine 368 with cysteine.
Molecular consequence: missense variant.
Genome position (GRCh38, 1-based): chr2:219,568,235, G>A on the plus strand (C>T on the coding strand, the complement: OBSL1 is on the minus strand). VCF-style: chr2-219568235-G-A. GRCh37 (hg19) VCF-style: chr2-220432957-G-A.
Other names: c.1102C>T, p.Arg368Cys (NM_001173408.2, NM_001173431.2); short protein forms R368C.
Identifiers: ClinVar variation 334526 (VCV000334526.20), dbSNP rs35009641, ClinGen allele CA2131640.

ClinVar aggregate classification (germline): Benign/Likely benign. Review status: criteria provided, multiple submitters, no conflicts (2 of 4 stars). 7 submissions from 7 submitters: Benign (4); Likely benign (1). 2 of the submissions do not count toward it. Last evaluated 2026-05-09.

Conditions:
3M syndrome 2. Also called: THREE M SYNDROME 2; 3-M Syndrome, OBSL1-Related. Identifiers: Orphanet 2616, MedGen C2752041, MONDO:0013039, OMIM 612921.

Allele frequency attached by ClinVar (database versions not stated): 1000 Genomes Project 0.01538; gnomAD 0.03933; TOPMed 0.03404; 1000 Genomes Project 30x 0.01405; ExAC 0.04245; ESP Exome Variant Server 0.03857.

Submissions (7):

Women's Health and Genetics/Laboratory Corporation of America, LabCorp
Classification: Likely benign. Last evaluated: 2026-05-09. Review status: criteria provided, single submitter. Criteria: LabCorp Variant Classification Summary - May 2015. Collection method: clinical testing. Allele origin: germline.

Labcorp Genetics (formerly Invitae), Labcorp
Classification: Benign. Last evaluated: 2026-02-04. Review status: criteria provided, single submitter. Criteria: Invitae Variant Classification Sherloc (09022015). Collection method: clinical testing. Allele origin: germline.

GeneDx
Classification: Benign. Last evaluated: 2021-06-10. Review status: criteria provided, single submitter. Criteria: GeneDx Variant Classification Process June 2021. Collection method: clinical testing. Allele origin: germline. Affected: yes.

Illumina Laboratory Services, Illumina
Classification: Benign for 3M syndrome 2. Last evaluated: 2018-01-13. Review status: criteria provided, single submitter. Criteria: ICSL Variant Classification Criteria 13 December 2019. Collection method: clinical testing. Allele origin: germline.
Comment: This variant was observed in the ICSL laboratory as part of a predisposition screen in an ostensibly healthy population. It had not been previously curated by ICSL or reported in the Human Gene Mutation Database (HGMD: prior to June 1st, 2018), and was therefore a candidate for classification through an automated scoring system. Utilizing variant allele frequency, disease prevalence and penetrance estimates, and inheritance mode, an automated score was calculated to assess if this variant is too frequent to cause the disease. Based on the score and internal cut-off values, a variant classified as benign is not then subjected to further curation. The score for this variant resulted in a classification of benign for this disease.

Breakthrough Genomics
Classification: Benign. Review status: criteria provided, single submitter. Criteria: ACMG Guidelines, 2015. Collection method: not provided. Allele origin: germline. Inheritance: Autosomal recessive inheritance. Affected: yes.

Joint Genome Diagnostic Labs from Nijmegen and Maastricht, Radboudumc and MUMC+
Classification: Benign. Review status: no assertion criteria provided. Collection method: clinical testing. Allele origin: germline. Affected: yes. Study: VKGL Data-share Consensus. Not counted in ClinVar's aggregate classification.

Laboratory of Diagnostic Genome Analysis, Leiden University Medical Center (LUMC)
Classification: Likely benign. Review status: no assertion criteria provided. Collection method: clinical testing. Allele origin: germline. Affected: yes. Study: VKGL Data-share Consensus. Not counted in ClinVar's aggregate classification.